The following is an entry in ClinVar:

NM_001854.4(COL11A1):c.1414G>A (p.Gly472Ser)

Gene: COL11A1 (collagen type XI alpha 1 chain; minus strand). Cytogenetic location: 1p21.1.
Variant type: single nucleotide variant.
Coding change: c.1414G>A on transcript NM_001854.4 (MANE Select); coding-DNA position 1414, G replaced by A.
Protein change: p.Gly472Ser; replaces glycine 472 with serine.
Molecular consequence: missense variant. On other transcripts: non-coding transcript variant (1).
Genome position (GRCh38, 1-based): chr1:103,015,742, C>T on the plus strand (G>A on the coding strand, the complement: COL11A1 is on the minus strand). VCF-style: chr1-103015742-C-T. GRCh37 (hg19) VCF-style: chr1-103481298-C-T.
Other names: c.1297G>A, p.Gly433Ser (NM_001190709.2); c.1450G>A, p.Gly484Ser (NM_080629.3); c.1066G>A, p.Gly356Ser (NM_080630.4); short protein forms G356S, G472S, G433S, G484S.
Identifiers: ClinVar variation 4712682 (VCV004712682.1).
Genomic context (GRCh38, chr1:103,015,742, plus strand): 5'-TAGTACCAGGAGGACCAGGTAGACCATCAGCCCCTGGTAAGCCAGGACGTCCTGGGGGGC[C>T]CTAGAAAAATAAATGAAATAACCAAAATAAATAAATATCAAAATAATATTTACTAGAACT-3'
Protein context (NP_001845.3, residues 462-482): TGPPGDPGDR[Gly472Ser]PPGRPGLPGA

ClinVar aggregate classification (germline): Uncertain significance (1 of 4 stars; one submission).

Submission:

Labcorp Genetics (formerly Invitae), Labcorp
Classification: Uncertain significance. Last evaluated: 2025-02-09. Review status: criteria provided, single submitter. Criteria: Invitae Variant Classification Sherloc (09022015). Collection method: clinical testing. Allele origin: germline.
Comment: This sequence change replaces glycine, which is neutral and non-polar, with serine, which is neutral and polar, at codon 472 of the COL11A1 protein (p.Gly472Ser). This variant is not present in population databases (gnomAD no frequency). This variant has not been reported in the literature in individuals affected with COL11A1-related conditions. An algorithm developed to predict the effect of missense changes on protein structure and function (PolyPhen-2) suggests that this variant is likely to be disruptive. In summary, the available evidence is currently insufficient to determine the role of this variant in disease. Therefore, it has been classified as a Variant of Uncertain Significance.